The following is an entry in ClinVar:

NM_000195.5(HPS1):c.961G>A (p.Gly321Ser)

Gene: HPS1 (HPS1 biogenesis of lysosomal organelles complex 3 subunit 1; minus strand). Cytogenetic location: 10q24.2.
Variant type: single nucleotide variant.
Coding change: c.961G>A on transcript NM_000195.5 (MANE Select); coding-DNA position 961, G replaced by A.
Protein change: p.Gly321Ser; replaces glycine 321 with serine.
Molecular consequence: missense variant. On other transcripts: 5 prime UTR variant (3).
Genome position (GRCh38, 1-based): chr10:98,427,241, C>T on the plus strand (G>A on the coding strand, the complement: HPS1 is on the minus strand). VCF-style: chr10-98427241-C-T. GRCh37 (hg19) VCF-style: chr10-100186998-C-T.
Other names: c.-12G>A (NM_001311345.2, NM_001322487.2, NM_001322489.2); c.961G>A, p.Gly321Ser (NM_001322476.2, NM_001322477.2); c.862G>A, p.Gly288Ser (NM_001322478.2, NM_001322479.2); c.700G>A, p.Gly234Ser (NM_001322480.2, NM_001322481.2); c.601G>A, p.Gly201Ser (NM_001322482.2); c.592G>A, p.Gly198Ser (NM_001322483.2, NM_001322484.2); c.493G>A, p.Gly165Ser (NM_001322485.2); c.961G>A (NM_000195.3); short protein forms G165S, G198S, G201S, G234S, G288S, G321S.
Identifiers: ClinVar variation 2416668 (VCV002416668.4), dbSNP rs551074257, ClinGen allele CA212764759.
Genomic context (GRCh38, chr10:98,427,241, plus strand): 5'-AGCTGGCGCCCAGGCAGGCACAGGAGAAACTCACCTGAAGGGCATCCATGGGGGGGGTGC[C>T]CCCCTCCAGCCAGATGGTGCTACCTGCAGGCCACAGGTAATAACATAACGATGTAAGTAC-3'
Protein context (NP_000186.2, residues 311-331): SSGSTIWLEG[Gly321Ser]TPPMDALQIA

ClinVar aggregate classification (germline): Uncertain significance. Review status: criteria provided, multiple submitters, no conflicts (2 of 4 stars). 2 submissions from 2 submitters: Uncertain significance (2). Last evaluated 2023-12-09.

Conditions:
Inborn genetic diseases. Identifiers: MedGen C0950123, MeSH D030342.

Allele frequency attached by ClinVar (database versions not stated): gnomAD 0.00001; gnomAD exomes 0.00001.
gnomAD v4.1: 12 of 1,551,440 alleles (0.00077%); highest among the groups gnomAD compares: Middle Eastern, 0.033%; no homozygotes.

Submissions (2):

Ambry Genetics
Classification: Uncertain significance for Inborn genetic diseases. Last evaluated: 2023-12-09. Review status: criteria provided, single submitter. Criteria: Ambry Variant Classification Scheme 2023. Collection method: clinical testing. Allele origin: germline.

Labcorp Genetics (formerly Invitae), Labcorp
Classification: Uncertain significance. Last evaluated: 2021-09-01. Review status: criteria provided, single submitter. Criteria: Invitae Variant Classification Sherloc (09022015). Collection method: clinical testing. Allele origin: germline.
Comment: This sequence change replaces glycine with serine at codon 321 of the HPS1 protein (p.Gly321Ser). The glycine residue is moderately conserved and there is a small physicochemical difference between glycine and serine. This variant is not present in population databases (ExAC no frequency). This variant has not been reported in the literature in individuals affected with HPS1-related conditions. Algorithms developed to predict the effect of missense changes on protein structure and function output the following: SIFT: "Tolerated"; PolyPhen-2: "Probably Damaging"; Align-GVGD: "Class C0". The serine amino acid residue is found in multiple mammalian species, which suggests that this missense change does not adversely affect protein function. In summary, the available evidence is currently insufficient to determine the role of this variant in disease. Therefore, it has been classified as a Variant of Uncertain Significance.